The following is an entry in ClinVar:

ClinVar aggregate classification (germline): Conflicting classifications of pathogenicity. Review status: criteria provided, conflicting classifications (1 of 4 stars). 12 submissions from 12 submitters: Uncertain significance (1); Benign (6); Likely benign (3). 2 of the submissions do not count toward it. Last evaluated 2026-02-04.

Conditions:
Congenital myotonia, autosomal dominant form (THD). Also called: THOMSEN DISEASE; Myotonia congenita autosomal dominant. Identifiers: Orphanet 614, MedGen C2936781, MONDO:0008055, OMIM 160800.
Congenital myotonia, autosomal recessive form. Also called: myotonia congenita, autosomal recessive; BECKER DISEASE; Becker Generalized Myotonia. Identifiers: Orphanet 614, MedGen C0751360, MONDO:0009715, OMIM 255700.
Batten-Turner congenital myopathy. Also called: Congenital myotonia; Myotonia congenita. Identifiers: Orphanet 206973, MedGen C0027127, MONDO:0100468, OMIM 255300.

Allele frequency attached by ClinVar (database versions not stated): 1000 Genomes Project 0.00100; 1000 Genomes Project 30x 0.00109; TOPMed 0.00439; gnomAD 0.00457 and 0.00465; ExAC 0.00465; gnomAD exomes 0.00475 and 0.00743; ESP Exome Variant Server 0.00615.
gnomAD v4.1: 11,426 of 1,614,162 alleles (0.71%); highest among the groups gnomAD compares: Non-Finnish European, 0.87%; 46 homozygotes.

Submissions (14):

Labcorp Genetics (formerly Invitae), Labcorp
Classification: Benign for Congenital myotonia, autosomal recessive form; Congenital myotonia, autosomal dominant form. Last evaluated: 2026-02-04. Review status: criteria provided, single submitter. Criteria: Invitae Variant Classification Sherloc (09022015). Collection method: clinical testing. Allele origin: germline.

CeGaT Center for Human Genetics Tuebingen
Classification: Likely benign. Last evaluated: 2025-09-01. Review status: criteria provided, single submitter. Criteria: CeGaT Center For Human Genetics Tuebingen Variant Classification Criteria Version 2. Collection method: clinical testing. Allele origin: germline. Affected: yes. Observed: 12 variant alleles.
Comment: CLCN1: PP3, BS2

Illumina Laboratory Services, Illumina
Classification: Benign for Myotonia congenita. Last evaluated: 2018-03-06. Review status: criteria provided, single submitter. Criteria: ICSL Variant Classification Criteria 13 December 2019. Collection method: clinical testing. Allele origin: germline.
Comment: This variant was observed in the ICSL laboratory as part of a predisposition screen in an ostensibly healthy population. It had not been previously curated by ICSL or reported in the Human Gene Mutation Database (HGMD: prior to June 1st, 2018), and was therefore a candidate for classification through an automated scoring system. Utilizing variant allele frequency, disease prevalence and penetrance estimates, and inheritance mode, an automated score was calculated to assess if this variant is too frequent to cause the disease. Based on the score and internal cut-off values, a variant classified as benign is not then subjected to further curation. The score for this variant resulted in a classification of benign for this disease.

Athena Diagnostics
Classification: Benign. Last evaluated: 2018-02-16. Review status: criteria provided, single submitter. Criteria: Athena Diagnostics Criteria. Collection method: clinical testing. Allele origin: germline.

Mayo Clinic Laboratories, Mayo Clinic
Classification: Uncertain significance for Congenital myotonia, autosomal recessive form. Last evaluated: 2017-09-21. Review status: criteria provided, single submitter. Criteria: ACMG Guidelines, 2015. Collection method: clinical testing. Allele origin: paternal.

GeneDx
Classification: Benign. Last evaluated: 2017-07-25. Review status: criteria provided, single submitter. Criteria: GeneDx Variant Classification (06012015). Collection method: clinical testing. Allele origin: germline. Affected: yes.
Comment: This variant is considered likely benign or benign based on one or more of the following criteria: it is a conservative change, it occurs at a poorly conserved position in the protein, it is predicted to be benign by multiple in silico algorithms, and/or has population frequency not consistent with disease.

Eurofins Ntd Llc (ga)
Classification: Benign. Last evaluated: 2017-06-16. Review status: criteria provided, single submitter. Criteria: EGL Classification Definitions 2015. Collection method: clinical testing. Allele origin: germline. Observed: 2 variant alleles, 2 heterozygotes.

Center for Pediatric Genomic Medicine, Children's Mercy Hospital and Clinics
Classification: Likely benign. Last evaluated: 2017-05-02. Review status: criteria provided, single submitter. Criteria: ACMG Guidelines, 2015. Collection method: clinical testing. Allele origin: germline.

Genomic Diagnostic Laboratory, Division of Genomic Diagnostics, Children's Hospital of Philadelphia
Classification: Benign. Last evaluated: 2015-11-06. Review status: criteria provided, single submitter. Criteria: DGD Variant Analysis Guidelines. Collection method: clinical testing. Allele origin: unknown.

Department Of Human Genetics, Institute Of Clinical And Translational Research, Biomedical Research Center, Slovak Academy Of Sciences
Classification: Likely benign for Congenital myotonia, autosomal recessive form; Congenital myotonia, autosomal dominant form. Review status: criteria provided, single submitter. Criteria: ACMG Guidelines, 2015. Collection method: research. Allele origin: germline. Inheritance: Autosomal unknown. Affected: yes. Observed: 2 variant alleles.
Comment: The c.899G>A (p.(Arg300Gln)) variant was found in a heterozygous state in 2 Slovak patients with Myotonia congenita: the first one carried another 2 Likely Pathogenic variants: c.1231G>T and C2680C>T; while in the second one, no other Pathogenic or Likely pathogenic variants were found. GnomAD Exomes Version: 4.0 indicates the frequency of f = 0.00734. This variant has been reported in HGMD database CM940284.

Dr. Peter K. Rogan Lab, Western University
No classification provided (evidence only). Condition: Acute myeloid leukemia. Review status: no classification provided. Collection method: in vitro. Allele origin: not applicable. Functional consequence: retained intron. Not counted in ClinVar's aggregate classification.

Dr. Peter K. Rogan Lab, Western University
No classification provided (evidence only). Condition: Malignant tumor of esophagus. Review status: no classification provided. Collection method: in vitro. Allele origin: not applicable. Functional consequence: retained intron. Not counted in ClinVar's aggregate classification.

Joint Genome Diagnostic Labs from Nijmegen and Maastricht, Radboudumc and MUMC+
Classification: Benign. Review status: no assertion criteria provided. Collection method: clinical testing. Allele origin: germline. Affected: yes. Study: VKGL Data-share Consensus. Not counted in ClinVar's aggregate classification.

Laboratory of Diagnostic Genome Analysis, Leiden University Medical Center (LUMC)
Classification: Benign. Review status: no assertion criteria provided. Collection method: clinical testing. Allele origin: germline. Affected: yes. Study: VKGL Data-share Consensus. Not counted in ClinVar's aggregate classification.

Literature cited by the submitters: PubMed 8533761 (cited by Athena Diagnostics); PubMed 23113340 (cited by Athena Diagnostics); PubMed 8112288 (cited by Athena Diagnostics).

NM_000083.3(CLCN1):c.899G>A (p.Arg300Gln)

Gene: CLCN1 (chloride voltage-gated channel 1; plus strand). Cytogenetic location: 7q34.
Variant type: single nucleotide variant.
Coding change: c.899G>A on transcript NM_000083.3 (MANE Select); coding-DNA position 899, G replaced by A.
Protein change: p.Arg300Gln; replaces arginine 300 with glutamine.
Molecular consequence: missense variant. On other transcripts: non-coding transcript variant (1).
Genome position (GRCh38, 1-based): chr7:143,330,817, G>A. VCF-style: chr7-143330817-G-A. GRCh37 (hg19) VCF-style: chr7-143027910-G-A.
Other names: short protein forms R300Q.
Identifiers: ClinVar variation 252463 (VCV000252463.68), dbSNP rs118066140, ClinGen allele CA4537173.